The following is an entry in ClinVar:

NM_000293.3(PHKB):c.430C>T (p.Arg144Cys)

Gene: PHKB (phosphorylase kinase regulatory subunit beta; plus strand). Cytogenetic location: 16q12.1.
Variant type: single nucleotide variant.
Coding change: c.430C>T on transcript NM_000293.3 (MANE Select); coding-DNA position 430, C replaced by T.
Protein change: p.Arg144Cys; replaces arginine 144 with cysteine.
Molecular consequence: missense variant.
Genome position (GRCh38, 1-based): chr16:47,511,689, C>T. VCF-style: chr16-47511689-C-T. GRCh37 (hg19) VCF-style: chr16-47545600-C-T.
Other names: c.409C>T, p.Arg137Cys (NM_001031835.3); c.430C>T, p.Arg144Cys (NM_001363837.1); short protein forms R144C, R137C.
Identifiers: ClinVar variation 319334 (VCV000319334.7), dbSNP rs762531075, ClinGen allele CA8040483.

ClinVar aggregate classification (germline): Uncertain significance. Review status: criteria provided, multiple submitters, no conflicts (2 of 4 stars). 3 submissions from 3 submitters: Uncertain significance (3). Last evaluated 2024-02-13.

Conditions:
Inborn genetic diseases. Identifiers: MedGen C0950123, MeSH D030342.
Glycogen storage disease IXb (GSD9B). Also called: GLYCOGENOSIS OF LIVER AND MUSCLE, AUTOSOMAL RECESSIVE; GSD IXb; PHOSPHORYLASE KINASE DEFICIENCY OF LIVER AND MUSCLE, AUTOSOMAL RECESSIVE. Identifiers: Orphanet 79240, MedGen C0543514, MONDO:0009868, OMIM 261750.

Allele frequency attached by ClinVar (database versions not stated): ExAC 0.00001; gnomAD exomes 0.00002 and 0.00008; gnomAD 0.00007; TOPMed 0.00008.
gnomAD v4.1: 128 of 1,612,274 alleles (0.0079%); highest among the groups gnomAD compares: Non-Finnish European, 0.01%; no homozygotes.

Submissions (3):

Ambry Genetics
Classification: Uncertain significance for Inborn genetic diseases. Last evaluated: 2024-02-13. Review status: criteria provided, single submitter. Criteria: Ambry Variant Classification Scheme 2023. Collection method: clinical testing. Allele origin: germline.

Labcorp Genetics (formerly Invitae), Labcorp
Classification: Uncertain significance for Glycogen storage disease IXb. Last evaluated: 2022-03-29. Review status: criteria provided, single submitter. Criteria: Invitae Variant Classification Sherloc (09022015). Collection method: clinical testing. Allele origin: germline.
Comment: This sequence change replaces arginine, which is basic and polar, with cysteine, which is neutral and slightly polar, at codon 144 of the PHKB protein (p.Arg144Cys). This variant is present in population databases (rs762531075, gnomAD 0.008%). This variant has not been reported in the literature in individuals affected with PHKB-related conditions. ClinVar contains an entry for this variant (Variation ID: 319334). Algorithms developed to predict the effect of missense changes on protein structure and function are either unavailable or do not agree on the potential impact of this missense change (SIFT: "Deleterious"; PolyPhen-2: "Benign"; Align-GVGD: "Class C0"). In summary, the available evidence is currently insufficient to determine the role of this variant in disease. Therefore, it has been classified as a Variant of Uncertain Significance.

Illumina Laboratory Services, Illumina
Classification: Uncertain significance for Glycogen storage disease IXb. Last evaluated: 2018-01-13. Review status: criteria provided, single submitter. Criteria: ICSL Variant Classification Criteria 13 December 2019. Collection method: clinical testing. Allele origin: germline.